The following is an entry in ClinVar:

NM_030787.4(CFHR5):c.626G>A (p.Gly209Asp)

Gene: CFHR5 (complement factor H related 5; plus strand). Cytogenetic location: 1q31.3.
Variant type: single nucleotide variant.
Coding change: c.626G>A on transcript NM_030787.4 (MANE Select); coding-DNA position 626, G replaced by A.
Protein change: p.Gly209Asp; replaces glycine 209 with aspartic acid.
Molecular consequence: missense variant.
Genome position (GRCh38, 1-based): chr1:196,995,735, G>A. VCF-style: chr1-196995735-G-A. GRCh37 (hg19) VCF-style: chr1-196964865-G-A.
Other names: short protein forms G209D.
Identifiers: ClinVar variation 3064007 (VCV003064007.1), dbSNP rs1034915976, ClinGen allele CA344004449.

ClinVar aggregate classification (germline): Uncertain significance (1 of 4 stars; one submission).

gnomAD v4.1: 5 of 1,612,874 alleles (0.00031%); highest among the groups gnomAD compares: African/African-American, 0.0053%; no homozygotes.

Submission:

Women's Health and Genetics/Laboratory Corporation of America, LabCorp
Classification: Uncertain significance. Last evaluated: 2024-01-19. Review status: criteria provided, single submitter. Criteria: LabCorp Variant Classification Summary - May 2015. Collection method: clinical testing. Allele origin: germline.
Comment: Variant summary: CFHR5 c.626G>A (p.Gly209Asp) results in a non-conservative amino acid change located in the Sushi/SCR/CCP domain (IPR000436) of the encoded protein sequence. Three of five in-silico tools predict a benign effect of the variant on protein function. The variant allele was found at a frequency of 4e-06 in 251090 control chromosomes. The available data on variant occurrences in the general population are insufficient to allow any conclusion about variant significance. To our knowledge, no occurrence of c.626G>A in individuals affected with CFHR5 Deficiency and no experimental evidence demonstrating its impact on protein function have been reported. No submitters have cited clinical-significance assessments for this variant to ClinVar. Based on the evidence outlined above, the variant was classified as uncertain significance.